The following is an entry in ClinVar:

ClinVar aggregate classification (germline): Uncertain significance (1 of 4 stars; one submission).

Conditions:
Cardiovascular phenotype. Identifiers: MedGen CN230736.

Allele frequency attached by ClinVar (database versions not stated): TOPMed below 0.00001.

Submission:

Ambry Genetics
Classification: Uncertain significance for Cardiovascular phenotype. Last evaluated: 2023-10-02. Review status: criteria provided, single submitter. Criteria: Ambry Variant Classification Scheme 2023. Collection method: clinical testing. Allele origin: germline.
Comment: The p.G2060S variant (also known as c.6178G>A), located in coding exon 38 of the ANK2 gene, results from a G to A substitution at nucleotide position 6178. The glycine at codon 2060 is replaced by serine, an amino acid with similar properties. This amino acid position is conserved. In addition, this alteration is predicted to be tolerated by in silico analysis. Since supporting evidence is limited at this time, the clinical significance of this alteration remains unclear.

NM_001148.6(ANK2):c.6178G>A (p.Gly2060Ser)

Genes: ANK2 (ankyrin 2; plus strand), LOC126807136 (MED14-independent group 3 enhancer GRCh37_chr4:114274931-114276130; plus strand). Cytogenetic location: 4q26.
Variant type: single nucleotide variant.
Coding change: c.6178G>A on transcript NM_001148.6 (MANE Select); coding-DNA position 6178, G replaced by A.
Protein change: p.Gly2060Ser; replaces glycine 2060 with serine.
Molecular consequence: missense variant. On other transcripts: intron variant (68).
Genome position (GRCh38, 1-based): chr4:113,354,796, G>A. VCF-style: chr4-113354796-G-A. GRCh37 (hg19) VCF-style: chr4-114275952-G-A.
Other names: c.5944G>A, p.Gly1982Ser (NM_001386142.1); c.2578G>A, p.Gly860Ser (NM_001386166.1); c.6319G>A, p.Gly2107Ser (NM_001386174.1); c.6295G>A, p.Gly2099Ser (NM_001386175.1); c.4411+4547G>A (NM_001386186.2, NM_001386148.2); c.4213+4547G>A (NM_001354269.3); c.4291+4547G>A (NM_001386187.2); c.4252+4547G>A (NM_001386147.1); and 35 more; short protein forms G1982S, G2060S, G2099S, G2107S, G860S.
Identifiers: ClinVar variation 3220988 (VCV003220988.1), dbSNP rs2095645315, ClinGen allele CA357922519.
Genomic context (GRCh38, chr4:113,354,796, plus strand): 5'-AGAGAAGCTCAGAAAACAGAGAATCAGACAATCAAACGAGGCCAGAGACTCCCGGTAACG[G>A]GCACAGCAGAATCCAAAAGAGGAGTTCGTGTTTCCTCCATAGGAGTTAAGAAAGAAGATG-3'
Protein context (NP_001139.3, residues 2050-2070): IKRGQRLPVT[Gly2060Ser]TAESKRGVRV